The following is an entry in ClinVar:

ClinVar aggregate classification (germline): Pathogenic/Likely pathogenic. Review status: criteria provided, multiple submitters, no conflicts (2 of 4 stars). 3 submissions from 3 submitters: Pathogenic (2); Likely pathogenic (1). Last evaluated 2025-09-28.

Conditions:
Thyroid dyshormonogenesis 6 (TDH6). Also called: HYPOTHYROIDISM, CONGENITAL, DUE TO DYSHORMONOGENESIS, 6; THYROID HORMONOGENESIS, GENETIC DEFECT IN, 6; Genetic transient congenital hypothyroidism. Identifiers: Orphanet 226316, Orphanet 95716, MedGen C1846632, MONDO:0011792, OMIM 607200.
DUOX2-related disorder. Also called: DUOX2-related condition.

Allele frequency attached by ClinVar (database versions not stated): gnomAD exomes 0.00001.
gnomAD v4.1: 11 of 1,614,176 alleles (0.00068%); highest among the groups gnomAD compares: Non-Finnish European, 0.00085%; no homozygotes.

Submissions (3):

Labcorp Genetics (formerly Invitae), Labcorp
Classification: Pathogenic. Last evaluated: 2025-09-28. Review status: criteria provided, single submitter. Criteria: Invitae Variant Classification Sherloc (09022015). Collection method: clinical testing. Allele origin: germline.
Comment: This sequence change creates a premature translational stop signal (p.Gln1026*) in the DUOX2 gene. It is expected to result in an absent or disrupted protein product. Loss-of-function variants in DUOX2 are known to be pathogenic (PMID: 12110737, 18765513, 21565790, 24423310, 24735383). This variant is present in population databases (no rsID available, gnomAD 0.0009%). This premature translational stop signal has been observed in individual(s) with congenital hypothyroidism (PMID: 34200080). ClinVar contains an entry for this variant (Variation ID: 2636778). For these reasons, this variant has been classified as Pathogenic.

Fulgent Genetics
Classification: Pathogenic for Thyroid dyshormonogenesis 6. Last evaluated: 2024-05-04. Review status: criteria provided, single submitter. Criteria: ACMG Guidelines, 2015. Collection method: clinical testing. Allele origin: germline.

PreventionGenetics, part of Exact Sciences
Classification: Likely pathogenic for DUOX2-related condition. Last evaluated: 2023-04-28. Review status: criteria provided, single submitter. Criteria: ACMG Guidelines, 2015. Collection method: clinical testing. Allele origin: germline.
Comment: The DUOX2 c.3076C>T variant is predicted to result in premature protein termination (p.Gln1026*). To our knowledge, this variant has not been reported in the literature. This variant is reported in 0.00088% of alleles in individuals of European (Non-Finnish) descent in gnomAD. Nonsense variants in DUOX2 are expected to be pathogenic. This variant is interpreted as likely pathogenic.

Literature cited by the submitters: PubMed 12110737 (cited by Labcorp Genetics (formerly Invitae), Labcorp); PubMed 18765513 (cited by Labcorp Genetics (formerly Invitae), Labcorp); PubMed 21565790 (cited by Labcorp Genetics (formerly Invitae), Labcorp); PubMed 24423310 (cited by Labcorp Genetics (formerly Invitae), Labcorp); PubMed 24735383 (cited by Labcorp Genetics (formerly Invitae), Labcorp); PubMed 34200080 (cited by Labcorp Genetics (formerly Invitae), Labcorp).

NM_001363711.2(DUOX2):c.3076C>T (p.Gln1026Ter)

Gene: DUOX2 (dual oxidase 2; minus strand). Cytogenetic location: 15q21.1.
Variant type: single nucleotide variant.
Coding change: c.3076C>T on transcript NM_001363711.2 (MANE Select); coding-DNA position 3076, C replaced by T.
Protein change: p.Gln1026Ter; replaces glutamine 1026 with a stop codon.
Molecular consequence: nonsense.
Genome position (GRCh38, 1-based): chr15:45,100,158, G>A on the plus strand (C>T on the coding strand, the complement: DUOX2 is on the minus strand). VCF-style: chr15-45100158-G-A. GRCh37 (hg19) VCF-style: chr15-45392356-G-A.
Other names: c.3076C>T, p.Gln1026Ter (NM_014080.5); short protein forms Q1026*.
Identifiers: ClinVar variation 2636778 (VCV002636778.6), dbSNP rs935436918, ClinGen allele CA270123335.